The following is an entry in ClinVar:

ClinVar aggregate classification (germline): Uncertain significance. Review status: criteria provided, multiple submitters, no conflicts (2 of 4 stars). 2 submissions from 2 submitters: Uncertain significance (2). Last evaluated 2025-10-07.

Conditions:
Spinocerebellar ataxia type 35. Identifiers: Orphanet 276193, MedGen C3888031, MONDO:0013485, OMIM 613908.

Allele frequency attached by ClinVar (database versions not stated): TOPMed 0.00001; gnomAD 0.00002; gnomAD exomes 0.00002; ExAC 0.00003.

Submissions (2):

Labcorp Genetics (formerly Invitae), Labcorp
Classification: Uncertain significance. Last evaluated: 2025-10-07. Review status: criteria provided, single submitter. Criteria: Invitae Variant Classification Sherloc (09022015). Collection method: clinical testing. Allele origin: germline.
Comment: This sequence change replaces glycine, which is neutral and non-polar, with serine, which is neutral and polar, at codon 244 of the TGM6 protein (p.Gly244Ser). This variant is present in population databases (rs780097068, gnomAD 0.03%). This missense change has been observed in individual(s) with clinical features of TGM6-related conditions (PMID: 29482223). ClinVar contains an entry for this variant (Variation ID: 2051990). Invitae Evidence Modeling of protein sequence and biophysical properties (such as structural, functional, and spatial information, amino acid conservation, physicochemical variation, residue mobility, and thermodynamic stability) indicates that this missense variant is not expected to disrupt TGM6 protein function with a negative predictive value of 80%. In summary, the available evidence is currently insufficient to determine the role of this variant in disease. Therefore, it has been classified as a Variant of Uncertain Significance.

Revvity Omics, Revvity
Classification: Uncertain significance for Spinocerebellar ataxia type 35. Last evaluated: 2022-04-08. Review status: criteria provided, single submitter. Criteria: ACMG Guidelines, 2015. Collection method: clinical testing. Allele origin: germline.

Literature cited by the submitters: PubMed 29482223 (cited by Labcorp Genetics (formerly Invitae), Labcorp).

NM_198994.3(TGM6):c.730G>A (p.Gly244Ser)

Gene: TGM6 (transglutaminase 6; plus strand). Cytogenetic location: 20p13.
Variant type: single nucleotide variant.
Coding change: c.730G>A on transcript NM_198994.3 (MANE Select); coding-DNA position 730, G replaced by A.
Protein change: p.Gly244Ser; replaces glycine 244 with serine.
Molecular consequence: missense variant.
Genome position (GRCh38, 1-based): chr20:2,399,618, G>A. VCF-style: chr20-2399618-G-A. GRCh37 (hg19) VCF-style: chr20-2380264-G-A.
Other names: c.730G>A, p.Gly244Ser (NM_001254734.2); short protein forms G244S.
Identifiers: ClinVar variation 2051990 (VCV002051990.7), dbSNP rs780097068, ClinGen allele CA9731799.